The following is an entry in ClinVar:

NM_001205293.3(CACNA1E):c.6909_6911del (p.Leu2304del)

Gene: CACNA1E (calcium voltage-gated channel subunit alpha1 E; plus strand). Cytogenetic location: 1q25.3.
Variant type: Deletion.
Coding change: c.6909_6911del on transcript NM_001205293.3 (MANE Select); coding-DNA positions 6909 to 6911, 3 bases deleted (GCT; older notation c.6909_6911delGCT).
Protein change: p.Leu2304del; deletes leucine 2304.
Molecular consequence: inframe deletion.
Genome position (GRCh38, 1-based): chr1:181,798,801-181,798,803, GCT deleted; deleting any 3 consecutive bases within chr1:181,798,799-181,798,803 gives the same sequence; the c. name uses the placement nearest the transcript's 3' end. VCF-style (leftmost placement, unchanged base first): chr1-181798798-CCTG-C. GRCh37 (hg19) VCF-style: chr1-181767934-CCTG-C.
Other names: c.6780_6782del, p.Leu2261del (NM_000721.4); c.6723_6725del, p.Leu2242del (NM_001205294.2); short protein forms L2242del, L2304del, L2261del.
Identifiers: ClinVar variation 4750491 (VCV004750491.1).

ClinVar aggregate classification (germline): Uncertain significance (1 of 4 stars; one submission).

Submission:

Labcorp Genetics (formerly Invitae), Labcorp
Classification: Uncertain significance. Last evaluated: 2025-11-06. Review status: criteria provided, single submitter. Criteria: Invitae Variant Classification Sherloc (09022015). Collection method: clinical testing. Allele origin: germline.
Comment: This variant, c.6780_6782del, results in the deletion of 1 amino acid(s) of the CACNA1E protein (p.Leu2261del), but otherwise preserves the integrity of the reading frame. This variant is present in population databases (rs748442296, gnomAD 0.002%). This variant has not been reported in the literature in individuals affected with CACNA1E-related conditions. Experimental studies and prediction algorithms are not available or were not evaluated, and the functional significance of this variant is currently unknown. In summary, the available evidence is currently insufficient to determine the role of this variant in disease. Therefore, it has been classified as a Variant of Uncertain Significance.